The following is an entry in ClinVar:

NM_000283.4(PDE6B):c.1006G>T (p.Asp336Tyr)

Gene: PDE6B (phosphodiesterase 6B; plus strand). Cytogenetic location: 4p16.3.
Variant type: single nucleotide variant.
Coding change: c.1006G>T on transcript NM_000283.4 (MANE Select); coding-DNA position 1006, G replaced by T.
Protein change: p.Asp336Tyr; replaces aspartic acid 336 with tyrosine.
Molecular consequence: missense variant. On other transcripts: intron variant (1).
Genome position (GRCh38, 1-based): chr4:655,953, G>T. VCF-style: chr4-655953-G-T. GRCh37 (hg19) VCF-style: chr4-649742-G-T.
Other names: c.1006G>T, p.Asp336Tyr (NM_001145291.2); c.169G>T, p.Asp57Tyr (NM_001145292.2, NM_001350154.3, NM_001379246.1 and 1 more transcripts); c.-48-921G>T (NM_001350155.3); short protein forms D336Y, D57Y.
Identifiers: ClinVar variation 1521163 (VCV001521163.7), dbSNP rs751003798, ClinGen allele CA355912440.

ClinVar aggregate classification (germline): Uncertain significance. Review status: criteria provided, multiple submitters, no conflicts (2 of 4 stars). 2 submissions from 2 submitters: Uncertain significance (2). Last evaluated 2022-04-20.

gnomAD v4.1: 10 of 1,609,704 alleles (0.00062%); highest among the groups gnomAD compares: African/African-American, 0.0013%; no homozygotes.

Submissions (2):

Labcorp Genetics (formerly Invitae), Labcorp
Classification: Uncertain significance. Last evaluated: 2022-04-20. Review status: criteria provided, single submitter. Criteria: Invitae Variant Classification Sherloc (09022015). Collection method: clinical testing. Allele origin: germline.
Comment: In summary, the available evidence is currently insufficient to determine the role of this variant in disease. Therefore, it has been classified as a Variant of Uncertain Significance. Algorithms developed to predict the effect of missense changes on protein structure and function (SIFT, PolyPhen-2, Align-GVGD) all suggest that this variant is likely to be disruptive. This variant has not been reported in the literature in individuals affected with PDE6B-related conditions. This variant is present in population databases (no rsID available, gnomAD 0.0009%). This sequence change replaces aspartic acid, which is acidic and polar, with tyrosine, which is neutral and polar, at codon 336 of the PDE6B protein (p.Asp336Tyr).

Blueprint Genetics
Classification: Uncertain significance. Last evaluated: 2021-11-09. Review status: criteria provided, single submitter. Criteria: ACMG Guidelines, 2015. Collection method: clinical testing. Allele origin: germline.